The following is an entry in ClinVar:

NM_001394062.1(MACF1):c.13315T>A (p.Leu4439Met)

Gene: MACF1 (microtubule actin crosslinking factor 1; plus strand). Cytogenetic location: 1p34.3.
Variant type: single nucleotide variant.
Coding change: c.13315T>A on transcript NM_001394062.1 (MANE Select); coding-DNA position 13315, T replaced by A.
Protein change: p.Leu4439Met; replaces leucine 4439 with methionine.
Molecular consequence: missense variant.
Genome position (GRCh38, 1-based): chr1:39,379,241, T>A. VCF-style: chr1-39379241-T-A. GRCh37 (hg19) VCF-style: chr1-39844913-T-A.
Other names: c.7129T>A, p.Leu2377Met (NM_012090.5); short protein forms L4439M, L2377M.
Identifiers: ClinVar variation 2101846 (VCV002101846.4), dbSNP rs1359863007, ClinGen allele CA339830346.

ClinVar aggregate classification (germline): Uncertain significance (1 of 4 stars; one submission).

gnomAD v4.1: 2 of 1,610,954 alleles (0.00012%); highest among the groups gnomAD compares: Non-Finnish European, 0.00017%; no homozygotes.

Submission:

Labcorp Genetics (formerly Invitae), Labcorp
Classification: Uncertain significance. Last evaluated: 2024-01-22. Review status: criteria provided, single submitter. Criteria: Invitae Variant Classification Sherloc (09022015). Collection method: clinical testing. Allele origin: germline.
Comment: This sequence change replaces leucine, which is neutral and non-polar, with methionine, which is neutral and non-polar, at codon 2377 of the MACF1 protein (p.Leu2377Met). This variant is not present in population databases (gnomAD no frequency). This variant has not been reported in the literature in individuals affected with MACF1-related conditions. ClinVar contains an entry for this variant (Variation ID: 2101846). An algorithm developed to predict the effect of missense changes on protein structure and function (PolyPhen-2) suggests that this variant is likely to be tolerated. In summary, the available evidence is currently insufficient to determine the role of this variant in disease. Therefore, it has been classified as a Variant of Uncertain Significance.